The following is an entry in ClinVar:

ClinVar aggregate classification (germline): Pathogenic. Review status: reviewed by expert panel (3 of 4 stars). 2 submissions from 2 submitters: Pathogenic (1). 1 of the submissions does not count toward it. Last evaluated 2016-10-18.

Conditions:
Breast-ovarian cancer, familial, susceptibility to, 1 (BROVCA1). Also called: BRCA1 Hereditary Breast and Ovarian Cancer; OVARIAN CANCER, SUSCEPTIBILITY TO. Identifiers: Orphanet 145, MedGen C2676676, MONDO:0011450, OMIM 604370. Disease mechanism: loss of function.

Submissions (2):

Evidence-based Network for the Interpretation of Germline Mutant Alleles (ENIGMA)
Classification: Pathogenic for Breast-ovarian cancer, familial, susceptibility to, 1. Last evaluated: 2016-10-18. Review status: reviewed by expert panel. Criteria: ENIGMA BRCA1/2 Classification Criteria (2015). Collection method: curation. Allele origin: germline.
Comment: Variant allele predicted to encode a truncated non-functional protein.

Consortium of Investigators of Modifiers of BRCA1/2 (CIMBA), c/o University of Cambridge
Classification: Pathogenic for Breast-ovarian cancer, familial, susceptibility to, 1. Last evaluated: 2015-10-02. Review status: criteria provided, single submitter. Criteria: CIMBA Mutation Classification guidelines May 2016. Collection method: clinical testing. Allele origin: germline. Not counted in ClinVar's aggregate classification.

NM_007294.4(BRCA1):c.3839_3843del (p.Ala1279_Ser1280insTer)

Genes: BRCA1 (BRCA1 DNA repair associated; minus strand), LOC126862571 (BRD4-independent group 4 enhancer GRCh37_chr17:41243136-41244335; plus strand). Cytogenetic location: 17q21.31.
Variant type: Deletion.
Coding change: c.3839_3843del on transcript NM_007294.4 (MANE Select); coding-DNA positions 3839 to 3843, 5 bases deleted (CTCAG; older notation c.3839_3843delCTCAG).
Protein change: p.Ala1279_Ser1280insTer.
Molecular consequence: nonsense. On other transcripts: frameshift variant (1), intron variant (135).
Genome position (GRCh38, 1-based): chr17:43,091,688-43,091,692, CTGAG deleted on the plus strand (CTCAG on the coding strand, the reverse complement: BRCA1 is on the minus strand). VCF-style (leftmost placement, unchanged base first): chr17-43091687-CCTGAG-C. GRCh37 (hg19) VCF-style: chr17-41243704-CCTGAG-C.
Other names: 3958_3962delCTCAG; c.3626_3630del, p.Ala1208_Ser1209insTer (NM_001407571.1, NM_001407853.1, NM_001407894.1 and 9 more transcripts); c.3839_3843del, p.Ala1279_Ser1280insTer (NM_001407581.1, NM_001407582.1, NM_001407583.1 and 30 more transcripts); c.3836_3840del, p.Ala1278_Ser1279insTer (NM_001407587.1, NM_001407590.1, NM_001407591.1 and 22 more transcripts); c.3830_3834del, p.Ala1276_Ser1277insTer (NM_001407646.1, NM_001407647.1); c.3716_3720del, p.Ala1238_Ser1239insTer (NM_001407648.1, NM_001407664.1, NM_001407665.1 and 19 more transcripts); c.3713_3717del, p.Ala1237_Ser1238insTer (NM_001407649.1, NM_001407670.1, NM_001407671.1 and 11 more transcripts); c.3761_3765del, p.Ala1253_Ser1254insTer (NM_001407653.1, NM_001407654.1, NM_001407655.1 and 4 more transcripts); and 43 more.
Identifiers: ClinVar variation 266409 (VCV000266409.6), dbSNP rs886040169, ClinGen allele CA10589720.